The following is an entry in ClinVar:

NM_015898.4(ZBTB7A):c.674dup (p.Ala226fs)

Gene: ZBTB7A (zinc finger and BTB domain containing 7A; minus strand). Cytogenetic location: 19p13.3.
Variant type: Duplication.
Coding change: c.674dup on transcript NM_015898.4 (MANE Select); coding-DNA position 674, one base duplicated (C; older notation c.674dupC).
Protein change: p.Ala226fs; shifts the reading frame from alanine 226.
Molecular consequence: frameshift variant.
Genome position (GRCh38, 1-based): chr19:4,054,559, G duplicated on the plus strand (C on the coding strand, the reverse complement: ZBTB7A is on the minus strand); the first of 6 consecutive G bases (chr19:4,054,559-4,054,564); duplicating any one gives the same sequence. VCF-style (leftmost placement, unchanged base first): chr19-4054558-C-CG. GRCh37 (hg19) VCF-style: chr19-4054556-C-CG.
Other names: c.674dup, p.Ala226fs (NM_001317990.2); short protein forms A226fs.
Identifiers: ClinVar variation 3255094 (VCV003255094.3), dbSNP rs1555693029.

ClinVar aggregate classification (germline): Pathogenic (1 of 4 stars; one submission).

Conditions:
Macrocephaly, neurodevelopmental delay, lymphoid hyperplasia, and persistent fetal hemoglobin (MNDLFH). Identifiers: Orphanet 694956, MedGen C5676928, MONDO:0859231, OMIM 619769.

Submission:

Victorian Clinical Genetics Services, Murdoch Childrens Research Institute
Classification: Pathogenic for Macrocephaly, neurodevelopmental delay, lymphoid hyperplasia, and persistent fetal hemoglobin. Last evaluated: 2024-09-22. Review status: criteria provided, single submitter. Criteria: ACMG Guidelines, 2015. Collection method: clinical testing. Allele origin: germline. Inheritance: Autosomal dominant inheritance. Affected: yes.
Comment: Based on the classification scheme VCGS_Germline_v1.3.4, this variant is classified as Pathogenic. Following criteria are met: 0102 - Loss of function is a known mechanism of disease in this gene and is associated with macrocephaly, neurodevelopmental delay, lymphoid hyperplasia, and persistent fetal haemoglobin (MIM#619769). (I) 0107 - This gene is associated with autosomal dominant disease. (I) 0201 - Variant is predicted to cause nonsense-mediated decay (NMD) and loss of protein (premature termination codon is located at least 54 nucleotides upstream of the final exon-exon junction). (SP) 0251 - This variant is heterozygous. (I) 0301 - Variant is absent from gnomAD (both v2 and v3). (SP) 0702 - Other NMD-predicted variants comparable to the one identified in this case have strong previous evidence for pathogenicity. Multiple NMD-predicted variants have been reported in individuals with ZBTB7A-related features (ClinVar, PMID: 34515416). Two NMD-predicted variants have also been classified as VUS by a clinical laboratory in ClinVar. (SP) 0807 - This variant has no previous evidence of pathogenicity. (I) 0905 - No published segregation evidence has been identified for this variant. (I) 1007 - No published functional evidence has been identified for this variant. (SP) Legend: (SP) - Supporting pathogenic, (I) - Information, (SB) - Supporting benign

Literature cited by the submitters: PubMed 34515416.